The following is an entry in ClinVar:

ClinVar aggregate classification (germline): Conflicting classifications of pathogenicity. Review status: criteria provided, conflicting classifications (1 of 4 stars). 4 submissions from 4 submitters: Uncertain significance (3); Likely benign (1). Last evaluated 2026-03-04.

Conditions:
Hereditary cancer-predisposing syndrome. Also called: Neoplastic Syndromes, Hereditary; Tumor predisposition; Hereditary neoplastic syndrome; Hereditary Cancer Syndrome. Identifiers: Orphanet 140162, MedGen C0027672, MeSH D009386, MONDO:0015356.
Tuberous sclerosis 2 (TSC2). Identifiers: Orphanet 805, MedGen C1860707, MONDO:0013199, OMIM 613254.

Submissions (4):

Ambry Genetics
Classification: Uncertain significance for Hereditary cancer-predisposing syndrome. Last evaluated: 2026-03-04. Review status: criteria provided, single submitter. Criteria: Ambry Variant Classification Scheme 2023. Collection method: clinical testing. Allele origin: germline.
Comment: The c.3335_3355dup21 variant (also known as p.L1112_Q1118dup), located in coding exon 28 of the TSC2 gene, results from an in-frame duplication of 21 nucleotides at nucleotide positions 3335 to 3355. This results in the duplication of 7 extra residues (LESQAGQ) between codons 1112 and 1118. This amino acid region is well conserved in available vertebrate species. In addition, the in silico prediction for this variant is inconclusive (Choi Y et al. PLoS ONE. 2012; 7(10):e46688). Based on the available evidence, the clinical significance of this variant remains unclear.

Labcorp Genetics (formerly Invitae), Labcorp
Classification: Uncertain significance for Tuberous sclerosis 2. Last evaluated: 2026-01-18. Review status: criteria provided, single submitter. Criteria: Invitae Variant Classification Sherloc (09022015). Collection method: clinical testing. Allele origin: germline.
Comment: This variant, c.3335_3355dup, results in the insertion of 7 amino acid(s) of the TSC2 protein (p.Leu1112_Gln1118dup), but otherwise preserves the integrity of the reading frame. This variant is not present in population databases (gnomAD no frequency). This variant has not been reported in the literature in individuals affected with TSC2-related conditions. ClinVar contains an entry for this variant (Variation ID: 932420). Experimental studies and prediction algorithms are not available or were not evaluated, and the functional significance of this variant is currently unknown. In summary, the available evidence is currently insufficient to determine the role of this variant in disease. Therefore, it has been classified as a Variant of Uncertain Significance.

Blueprint Genetics
Classification: Uncertain significance. Last evaluated: 2024-03-08. Review status: criteria provided, single submitter. Criteria: ACMG Guidelines, 2015. Collection method: clinical testing. Allele origin: germline.

CeGaT Center for Human Genetics Tuebingen
Classification: Likely benign. Last evaluated: 2020-05-01. Review status: criteria provided, single submitter. Criteria: CeGaT Center For Human Genetics Tuebingen Variant Classification Criteria Version 2. Collection method: clinical testing. Allele origin: germline. Affected: yes. Observed: 1 variant allele.

NM_000548.5(TSC2):c.3335_3355dup (p.Leu1112_Gln1118dup)

Gene: TSC2 (TSC complex subunit 2; plus strand). Cytogenetic location: 16p13.3.
Variant type: Duplication.
Coding change: c.3335_3355dup on transcript NM_000548.5 (MANE Select); coding-DNA positions 3335 to 3355, 21 bases duplicated (TGGAGTCCCAGGCTGGGCAGC).
Protein change: p.Leu1112_Gln1118dup.
Molecular consequence: inframe insertion.
Genome position (GRCh38, 1-based): chr16:2,079,607-2,079,627, TGGAGTCCCAGGCTGGGCAGC duplicated; duplicating any 21 consecutive bases within chr16:2,079,604-2,079,627 gives the same sequence; the c. name uses the placement nearest the transcript's 3' end. VCF-style (leftmost placement, unchanged base first): chr16-2079603-A-AAGCTGGAGTCCCAGGCTGGGC. GRCh37 (hg19) VCF-style: chr16-2129604-A-AAGCTGGAGTCCCAGGCTGGGC.
Other names: c.3203_3223dup, p.Leu1068_Gln1074dup (NM_001077183.3, NM_001370404.1); c.3335_3355dup, p.Leu1112_Gln1118dup (NM_001114382.3); c.3095_3115dup, p.Leu1032_Gln1038dup (NM_001318827.2); c.3059_3079dup, p.Leu1020_Gln1026dup (NM_001318829.2); c.2603_2623dup, p.Leu868_Gln874dup (NM_001318831.2); c.3236_3256dup, p.Leu1079_Gln1085dup (NM_001318832.2); c.3206_3226dup, p.Leu1069_Gln1075dup (NM_001363528.2, NM_001370405.1, NM_021055.3); c.3335_3355dupTGGAGTCCCAGGCTGGGCAGC (NM_000548.3).
Identifiers: ClinVar variation 932420 (VCV000932420.45), dbSNP rs2089873322, ClinGen allele CA1139664255.